The following is an entry in ClinVar:

NM_000038.6(APC):c.1047G>T (p.Gln349His)

Gene: APC (APC regulator of WNT signaling pathway; plus strand). Cytogenetic location: 5q22.2.
Variant type: single nucleotide variant.
Coding change: c.1047G>T on transcript NM_000038.6 (MANE Select); coding-DNA position 1047, G replaced by T.
Protein change: p.Gln349His; replaces glutamine 349 with histidine.
Molecular consequence: missense variant. On other transcripts: non-coding transcript variant (2), intron variant (15).
Genome position (GRCh38, 1-based): chr5:112,819,079, G>T. VCF-style: chr5-112819079-G-T. GRCh37 (hg19) VCF-style: chr5-112154776-G-T.
Other names: c.1047G>T, p.Gln349His (NM_001127510.3, NM_001354895.2, NM_001354896.2 and 4 more transcripts); c.993G>T, p.Gln331His (NM_001127511.3); c.1077G>T, p.Gln359His (NM_001354897.2, NM_001407446.1); c.972G>T, p.Gln324His (NM_001354898.2, NM_001407451.1); c.963G>T, p.Gln321His (NM_001354899.2, NM_001407452.1); c.870G>T, p.Gln290His (NM_001354900.2, NM_001354901.2, NM_001407453.1); c.198G>T, p.Gln66His (NM_001354906.2, NM_001407470.1); c.85-190G>T (NM_001407472.1, NM_001407471.1); and 5 more; short protein forms Q290H, Q321H, Q324H, Q331H, Q349H, Q359H, Q66H.
Identifiers: ClinVar variation 3073704 (VCV003073704.1), dbSNP rs2149780379, ClinGen allele CA16023604.
Genomic context (GRCh38, chr5:112,819,079, plus strand): 5'-TATGTCGCGAACTTTGCTAGCTATGTCTAGCTCCCAAGACAGCTGTATATCCATGCGACA[G>T]TCTGGATGTCTTCCTCTCCTCATCCAGCTTTTACATGGCAATGACAAAGACTCTGTATTG-3'
Protein context (NP_000029.2, residues 339-359): SSQDSCISMR[Gln349His]SGCLPLLIQL

ClinVar aggregate classification (germline): Uncertain significance (1 of 4 stars; one submission).

Conditions:
Classic or attenuated familial adenomatous polyposis. Identifiers: MedGen CN372698, MONDO:0021057.

Submission:

All of Us Research Program, National Institutes of Health
Classification: Uncertain significance for Classic or attenuated familial adenomatous polyposis. Last evaluated: 2023-10-06. Review status: criteria provided, single submitter. Criteria: ACMG Guidelines, 2015. Collection method: clinical testing. Allele origin: germline. Inheritance: Autosomal dominant inheritance. Observed: 1 variant allele, 1 heterozygote.
Comment: This missense variant replaces glutamine with histidine at codon 349 of the APC protein. Computational prediction suggests that this variant may have deleterious impact on protein structure and function (internally defined REVEL score threshold >= 0.7, PMID: 27666373). To our knowledge, functional studies have not been reported for this variant. This variant has not been reported in individuals affected with APC-related disorders in the literature. This variant has not been identified in the general population by the Genome Aggregation Database (gnomAD). The available evidence is insufficient to determine the role of this variant in disease conclusively. Therefore, this variant is classified as a Variant of Uncertain Significance.

This study involves interpretation of variants in research participants for the purpose of population health screening. Participant phenotype was not available at the time of variant classification. Additional details can be found in publication PMID: 35346344, PMCID: PMC8962531